The following is an entry in ClinVar:

NM_005612.5(REST):c.2065C>T (p.Pro689Ser)

Gene: REST (RE1 silencing transcription factor; plus strand). Cytogenetic location: 4q12.
Variant type: single nucleotide variant.
Coding change: c.2065C>T on transcript NM_005612.5 (MANE Select); coding-DNA position 2065, C replaced by T.
Protein change: p.Pro689Ser; replaces proline 689 with serine.
Molecular consequence: missense variant.
Genome position (GRCh38, 1-based): chr4:56,930,923, C>T. VCF-style: chr4-56930923-C-T. GRCh37 (hg19) VCF-style: chr4-57797089-C-T.
Other names: c.2065C>T, p.Pro689Ser (NM_001193508.2, NM_001363453.3); c.2065C>T (NM_005612.4); short protein forms P689S.
Identifiers: ClinVar variation 1021123 (VCV001021123.8), dbSNP rs149486440, ClinGen allele CA2932397.

ClinVar aggregate classification (germline): Uncertain significance. Review status: criteria provided, multiple submitters, no conflicts (2 of 4 stars). 4 submissions from 4 submitters: Uncertain significance (4). Last evaluated 2025-11-09.

Conditions:
REST-related disorder. Also called: REST-related condition.
Fibromatosis, gingival, 5. Also called: FIBROMATOSIS, GINGIVAL, HEREDITARY, 5. Identifiers: MedGen C4539942, MONDO:0033493, OMIM 617626.
Wilms tumor 6 (WT6). Also called: WILMS TUMOR 6, SUSCEPTIBILITY TO. Identifiers: Orphanet 654, MedGen C3891301, MONDO:0014779, OMIM 616806.
Autosomal dominant nonsyndromic hearing loss 27. Also called: Deafness, autosomal dominant 27. Identifiers: Orphanet 90635, MedGen C3887929, MONDO:0012902, OMIM 612431.

Allele frequency attached by ClinVar (database versions not stated): gnomAD 0.00014 and 0.00017; gnomAD exomes 0.00016; ExAC 0.00017; TOPMed 0.00017; ESP Exome Variant Server 0.00038.
gnomAD v4.1: 252 of 1,613,562 alleles (0.016%); highest among the groups gnomAD compares: Middle Eastern, 0.15%; no homozygotes.

Submissions (4):

PreventionGenetics, part of Exact Sciences
Classification: Uncertain significance for REST-related condition. Last evaluated: 2025-11-09. Review status: criteria provided, single submitter. Criteria: ACMG Guidelines, 2015. Collection method: clinical testing. Allele origin: germline.
Comment: The REST c.2065C>T variant is predicted to result in the amino acid substitution p.Pro689Ser. To our knowledge, this variant has not been reported in the literature. This variant is reported in 0.028% of alleles in individuals of European (Non-Finnish) descent in gnomAD and is interpreted as uncertain significance in ClinVar (Variation ID: 1021123). At this time, the clinical significance of this variant is uncertain due to the absence of conclusive functional and genetic evidence.

Labcorp Genetics (formerly Invitae), Labcorp
Classification: Uncertain significance. Last evaluated: 2025-03-24. Review status: criteria provided, single submitter. Criteria: Invitae Variant Classification Sherloc (09022015). Collection method: clinical testing. Allele origin: germline.
Comment: This sequence change replaces proline, which is neutral and non-polar, with serine, which is neutral and polar, at codon 689 of the REST protein (p.Pro689Ser). This variant is present in population databases (rs149486440, gnomAD 0.03%). This variant has not been reported in the literature in individuals affected with REST-related conditions. ClinVar contains an entry for this variant (Variation ID: 1021123). An algorithm developed to predict the effect of missense changes on protein structure and function outputs the following: PolyPhen-2: "Benign". The serine amino acid residue is found in multiple mammalian species, which suggests that this missense change does not adversely affect protein function. In summary, the available evidence is currently insufficient to determine the role of this variant in disease. Therefore, it has been classified as a Variant of Uncertain Significance.

Fulgent Genetics
Classification: Uncertain significance for Autosomal dominant nonsyndromic hearing loss 27; Wilms tumor 6; Fibromatosis, gingival, 5. Last evaluated: 2024-06-18. Review status: criteria provided, single submitter. Criteria: ACMG Guidelines, 2015. Collection method: clinical testing. Allele origin: germline.

Breakthrough Genomics
Classification: Uncertain significance. Review status: criteria provided, single submitter. Criteria: ACMG Guidelines, 2015. Collection method: not provided. Allele origin: germline. Inheritance: Autosomal dominant inheritance. Affected: yes.